The following is an entry in ClinVar:

ClinVar aggregate classification (germline): Benign. Review status: criteria provided, multiple submitters, no conflicts (2 of 4 stars). 4 submissions from 4 submitters: Benign (4). Last evaluated 2026-01-27.

Conditions:
Atrioventricular septal defect, susceptibility to, 2. Identifiers: MedGen C1853508, MONDO:0011650, OMIM 606217.

Allele frequency attached by ClinVar (database versions not stated): gnomAD exomes 0.00481; ExAC 0.00607; gnomAD 0.01904 and 0.02031; TOPMed 0.02052; 1000 Genomes Project 0.02117; 1000 Genomes Project 30x 0.02139; ESP Exome Variant Server 0.02245.
gnomAD v4.1: 5,900 of 1,612,092 alleles (0.37%); highest among the groups gnomAD compares: African/African-American, 6.7%; 183 homozygotes.

Submissions (4):

Labcorp Genetics (formerly Invitae), Labcorp
Classification: Benign for Atrioventricular septal defect, susceptibility to, 2. Last evaluated: 2026-01-27. Review status: criteria provided, single submitter. Criteria: Invitae Variant Classification Sherloc (09022015). Collection method: clinical testing. Allele origin: germline.

ARUP Laboratories, Molecular Genetics and Genomics, ARUP Laboratories
Classification: Benign. Last evaluated: 2025-02-06. Review status: criteria provided, single submitter. Criteria: ARUP Molecular Germline Variant Investigation Process 2024. Collection method: clinical testing. Allele origin: germline.

GeneDx
Classification: Benign. Last evaluated: 2013-01-16. Review status: criteria provided, single submitter. Criteria: GeneDx Variant Classification (06012015). Collection method: clinical testing. Allele origin: germline. Affected: yes.
Comment: This variant is considered likely benign or benign based on one or more of the following criteria: it is a conservative change, it occurs at a poorly conserved position in the protein, it is predicted to be benign by multiple in silico algorithms, and/or has population frequency not consistent with disease.

Breakthrough Genomics
Classification: Benign. Review status: criteria provided, single submitter. Criteria: ACMG Guidelines, 2015. Collection method: not provided. Allele origin: germline. Inheritance: Autosomal dominant inheritance. Affected: yes.

NM_001077415.3(CRELD1):c.912C>T (p.Leu304=)

Gene: CRELD1 (CRELD disulfide isomerase 1; plus strand). Cytogenetic location: 3p25.3.
Variant type: single nucleotide variant.
Coding change: c.912C>T on transcript NM_001077415.3 (MANE Select); coding-DNA position 912, C replaced by T.
Protein change: p.Leu304=; no amino-acid change (leucine 304 retained).
Molecular consequence: synonymous variant. On other transcripts: non-coding transcript variant (3).
Genome position (GRCh38, 1-based): chr3:9,943,171, C>T. VCF-style: chr3-9943171-C-T. GRCh37 (hg19) VCF-style: chr3-9984855-C-T.
Other names: p.L304L:CTC>CTT; c.912C>T, p.Leu304= (NM_001031717.4, NM_001374316.1, NM_001374317.1 and 2 more transcripts); c.828C>T, p.Leu276= (NM_001374319.1, NM_001374320.1).
Identifiers: ClinVar variation 137034 (VCV000137034.12), dbSNP rs79223485, ClinGen allele CA290521.